The following is an entry in ClinVar:

NM_001374259.2(IL12RB2):c.2179C>T (p.Pro727Ser)

Gene: IL12RB2 (interleukin 12 receptor subunit beta 2; plus strand). Cytogenetic location: 1p31.3.
Variant type: single nucleotide variant.
Coding change: c.2179C>T on transcript NM_001374259.2 (MANE Select); coding-DNA position 2179, C replaced by T.
Protein change: p.Pro727Ser; replaces proline 727 with serine.
Molecular consequence: missense variant. On other transcripts: 3 prime UTR variant (3), non-coding transcript variant (2).
Genome position (GRCh38, 1-based): chr1:67,395,679, C>T. VCF-style: chr1-67395679-C-T. GRCh37 (hg19) VCF-style: chr1-67861362-C-T.
Other names: c.2179C>T (NM_001559.2); c.*99C>T (NM_001258214.1, NM_001319233.1); c.1921C>T, p.Pro641Ser (NM_001258215.1); c.*80C>T (NM_001258216.1); c.2179C>T, p.Pro727Ser (NM_001559.3); short protein forms P727S, P641S.
Identifiers: ClinVar variation 1479584 (VCV001479584.7), dbSNP rs1326929168, ClinGen allele CA340735035.
Genomic context (GRCh38, chr1:67,395,679, plus strand): 5'-ATCAGTGAAGTCCTTCATCAAGTGACCCCAGTTTTCAGACATCCCCCCTGCTCCAACTGG[C>T]CACAAAGGGAAAAAGGAATCCAAGGTCATCAGGCCTCTGAGAAAGACATGATGCACAGTG-3'
Protein context (NP_001361188.1, residues 717-737): VFRHPPCSNW[Pro727Ser]QREKGIQGHQ

ClinVar aggregate classification (germline): Uncertain significance. Review status: criteria provided, multiple submitters, no conflicts (2 of 4 stars). 2 submissions from 2 submitters: Uncertain significance (2). Last evaluated 2025-01-29.

Allele frequency attached by ClinVar (database versions not stated): gnomAD 0.00001; gnomAD exomes 0.00001 and 0.00002; TOPMed 0.00001.
gnomAD v4.1: 15 of 1,613,940 alleles (0.00093%); highest among the groups gnomAD compares: Non-Finnish European, 0.0013%; no homozygotes.

Submissions (2):

Labcorp Genetics (formerly Invitae), Labcorp
Classification: Uncertain significance. Last evaluated: 2025-01-29. Review status: criteria provided, single submitter. Criteria: Invitae Variant Classification Sherloc (09022015). Collection method: clinical testing. Allele origin: germline.
Comment: This sequence change replaces proline, which is neutral and non-polar, with serine, which is neutral and polar, at codon 727 of the IL12RB2 protein (p.Pro727Ser). This variant is present in population databases (no rsID available, gnomAD 0.0009%). This variant has not been reported in the literature in individuals affected with IL12RB2-related conditions. ClinVar contains an entry for this variant (Variation ID: 1479584). An algorithm developed to predict the effect of missense changes on protein structure and function outputs the following: PolyPhen-2: "Benign". The serine amino acid residue is found in multiple mammalian species, which suggests that this missense change does not adversely affect protein function. In summary, the available evidence is currently insufficient to determine the role of this variant in disease. Therefore, it has been classified as a Variant of Uncertain Significance.

Ambry Genetics
Classification: Uncertain significance. Last evaluated: 2024-07-22. Review status: criteria provided, single submitter. Criteria: Ambry Variant Classification Scheme 2023. Collection method: clinical testing. Allele origin: germline.